The following is an entry in ClinVar:

NM_004606.5(TAF1):c.3227+8G>A

Gene: TAF1 (TATA-box binding protein associated factor 1; plus strand). Cytogenetic location: Xq13.1.
Variant type: single nucleotide variant.
Coding change: c.3227+8G>A on transcript NM_004606.5 (MANE Select); 8 bases into the intron after coding-DNA position 3227, G replaced by A.
Molecular consequence: intron variant.
Genome position (GRCh38, 1-based): chrX:71,393,484, G>A. VCF-style: chrX-71393484-G-A. GRCh37 (hg19) VCF-style: chrX-70613334-G-A.
Other names: c.3227+8G>A (NM_001286074.2); c.3164+8G>A (NM_138923.4).
Identifiers: ClinVar variation 1331529 (VCV001331529.7), dbSNP rs373273976, ClinGen allele CA10447005.

ClinVar aggregate classification (germline): Conflicting classifications of pathogenicity. Review status: criteria provided, conflicting classifications (1 of 4 stars). 2 submissions from 2 submitters: Uncertain significance (1); Likely benign (1). Last evaluated 2023-11-12.

Allele frequency attached by ClinVar (database versions not stated): gnomAD exomes 0.00002 and 0.00003; ExAC 0.00004; gnomAD 0.00005 and 0.00006; TOPMed 0.00005; ESP Exome Variant Server 0.00009.
gnomAD v4.1: 40 of 1,171,503 alleles (0.0034%); highest among the groups gnomAD compares: Non-Finnish European, 0.0043%; no homozygotes.

Submissions (2):

Labcorp Genetics (formerly Invitae), Labcorp
Classification: Likely benign. Last evaluated: 2023-11-12. Review status: criteria provided, single submitter. Criteria: Invitae Variant Classification Sherloc (09022015). Collection method: clinical testing. Allele origin: germline.

Greenwood Genetic Center Diagnostic Laboratories, Greenwood Genetic Center
Classification: Uncertain significance. Last evaluated: 2020-11-24. Review status: criteria provided, single submitter. Criteria: ACMG Guidelines, 2015. Collection method: clinical testing. Allele origin: germline. Affected: yes.
Comment: PM2